The following is an entry in ClinVar:

ClinVar aggregate classification (germline): Conflicting classifications of pathogenicity. Review status: criteria provided, conflicting classifications (1 of 4 stars). 9 submissions from 9 submitters: Uncertain significance (3); Likely benign (6). Last evaluated 2025-11-13.

Conditions:
Cardiomyopathy (CMYO). Also called: Cardiomyopathies. Identifiers: Orphanet 167848, MedGen C0878544, MONDO:0004994, HP:0001638. Inheritance: Various modes of inheritance.
Cardiovascular phenotype. Identifiers: MedGen CN230736.
Dilated cardiomyopathy 1C (CMD1C). Also called: CARDIOMYOPATHY, DILATED, 1C, WITH OR WITHOUT LEFT VENTRICULAR NONCOMPACTION; Cardiomyopathy, dilated, 1C, with or without LVNC. Identifiers: Orphanet 154, Orphanet 54260, MedGen C1832244, MONDO:0011094, OMIM 601493.
Myofibrillar myopathy 4. Also called: Zaspopathy (type). Identifiers: Orphanet 98912, MedGen C4721886, MONDO:0012277, OMIM 609452.
Primary dilated cardiomyopathy (DCM). Also called: Dilated Cardiomyopathy. Identifiers: Orphanet 217604, MedGen C0007193, MeSH D002311, MONDO:0005021, HP:0001644. Inheritance: Various modes of inheritance.

Allele frequency attached by ClinVar (database versions not stated): gnomAD 0.00011; gnomAD exomes 0.00012 and 0.00014; TOPMed 0.00008; ExAC 0.00013; 1000 Genomes Project 30x 0.00016; 1000 Genomes Project 0.00020.
gnomAD v4.1: 197 of 1,614,170 alleles (0.012%); highest among the groups gnomAD compares: East Asian, 0.04%; no homozygotes.

Submissions (9):

Labcorp Genetics (formerly Invitae), Labcorp
Classification: Likely benign for Myofibrillar myopathy 4. Last evaluated: 2025-11-13. Review status: criteria provided, single submitter. Criteria: Invitae Variant Classification Sherloc (09022015). Collection method: clinical testing. Allele origin: germline.

Revvity Omics, Revvity
Classification: Likely benign. Last evaluated: 2025-01-15. Review status: criteria provided, single submitter. Criteria: ACMG Guidelines, 2015. Collection method: clinical testing. Allele origin: germline.

CeGaT Center for Human Genetics Tuebingen
Classification: Likely benign. Last evaluated: 2024-05-01. Review status: criteria provided, single submitter. Criteria: CeGaT Center For Human Genetics Tuebingen Variant Classification Criteria Version 2. Collection method: clinical testing. Allele origin: germline. Affected: yes. Observed: 2 variant alleles.
Comment: LDB3: BP4

Blueprint Genetics
Classification: Likely benign. Last evaluated: 2024-02-27. Review status: criteria provided, single submitter. Criteria: ACMG Guidelines, 2015. Collection method: clinical testing. Allele origin: germline.

KardioGenetik, Herz- und Diabeteszentrum NRW
Classification: Uncertain significance for Dilated cardiomyopathy 1C. Last evaluated: 2024-01-29. Review status: criteria provided, single submitter. Criteria: ACMG Guidelines, 2015. Collection method: clinical testing. Allele origin: unknown. Observed: 1 variant allele.

Ambry Genetics
Classification: Likely benign for Cardiovascular phenotype. Last evaluated: 2022-05-26. Review status: criteria provided, single submitter. Criteria: Ambry Variant Classification Scheme 2023. Collection method: clinical testing. Allele origin: germline.

Loeys Lab, Universiteit Antwerpen
Classification: Uncertain significance for Primary dilated cardiomyopathy. Last evaluated: 2021-02-26. Review status: criteria provided, single submitter. Criteria: ACMG Guidelines, 2015. Collection method: clinical testing. Allele origin: somatic. Affected: yes. Observed: 1 variant allele, 1 heterozygote.
Comment: This sequence change results in a missense variant in the LDB3 gene (p.(Arg333His)). This variant is present in population databases with a prevalence of 36/282804 in GnomAD (BS1) . This variant has not been reported in the literature and no functional data are available. Prediction programs show conflicting results (Align GVGD: C0; Polyphen-2-HumDiv: possibly damaging ; Polyphen-2-HumVar: benign; SIFT: tolerated; MutationTaster: disease causing). The variant affects a highly conserved nucleotide and a moderately conserved amino acid. We identified this variant in a patients with DCM. In conclusion this variant was classified as a variant of unknown significance according to ACMG-guidelines (insufficient data, criteria for other classification are not met: BS1).

GeneDx
Classification: Likely benign. Last evaluated: 2019-04-12. Review status: criteria provided, single submitter. Criteria: GeneDx Variant Classification Process June 2021. Collection method: clinical testing. Allele origin: germline. Affected: yes.

CHEO Genetics Diagnostic Laboratory, Children's Hospital of Eastern Ontario
Classification: Uncertain significance for Cardiomyopathy. Last evaluated: 2016-03-16. Review status: criteria provided, single submitter. Criteria: ACMG Guidelines, 2015. Collection method: clinical testing. Allele origin: germline. Study: Canadian Open Genetics Repository.

Literature cited by the submitters: PubMed 33552729 (cited by Ambry Genetics).

NM_007078.3(LDB3):c.794G>A (p.Arg265His)

Gene: LDB3 (LIM domain binding 3; plus strand). Cytogenetic location: 10q23.2.
Variant type: single nucleotide variant.
Coding change: c.794G>A on transcript NM_007078.3 (MANE Select); coding-DNA position 794, G replaced by A.
Protein change: p.Arg265His; replaces arginine 265 with histidine.
Molecular consequence: missense variant.
Genome position (GRCh38, 1-based): chr10:86,692,000, G>A. VCF-style: chr10-86692000-G-A. GRCh37 (hg19) VCF-style: chr10-88451757-G-A.
Other names: p.R265H:CGC>CAC; c.653G>A, p.Arg218His (NM_001080116.1, NM_001080114.2, NM_001368066.1 and 2 more transcripts); c.794G>A, p.Arg265His (NM_001080115.2, NM_001368063.1, NM_001368064.1 and 1 more transcripts); c.998G>A, p.Arg333His (NM_001171610.2, NM_001171611.2); short protein forms R218H, R265H, R333H.
Identifiers: ClinVar variation 201843 (VCV000201843.62), dbSNP rs45458895, ClinGen allele CA308613.